The following is an entry in ClinVar:

NM_001009944.3(PKD1):c.1265TGG[2] (p.Val424del)

Gene: PKD1 (polycystin 1, transient receptor potential channel interacting; minus strand). Cytogenetic location: 16p13.3.
Variant type: Microsatellite.
Coding change: c.1265TGG[2] on transcript NM_001009944.3 (MANE Select); two copies in a row of the 3-base unit TGG starting at c.1265; the reference has three copies in a row; one copy, 3 bases deleted.
Protein change: p.Val424del; deletes valine 424.
Molecular consequence: inframe deletion.
Genome position (GRCh38, 1-based): chr16:2,117,601-2,117,603, CCA deleted on the plus strand (TGG on the coding strand, the reverse complement: PKD1 is on the minus strand); deleting any 3 consecutive bases within chr16:2,117,601-2,117,609 gives the same sequence; the position shown is the placement nearest the transcript's 3' end. VCF-style (leftmost placement, unchanged base first): chr16-2117600-TCCA-T. GRCh37 (hg19) VCF-style: chr16-2167601-TCCA-T.
Other names: c.1265TGG[2], p.Val424del (NM_000296.4); short protein forms V424del.
Identifiers: ClinVar variation 805148 (VCV000805148.2), dbSNP rs1596588396, ClinGen allele CA915949030.

ClinVar aggregate classification (germline): Uncertain significance. Review status: criteria provided, multiple submitters, no conflicts (2 of 4 stars). 2 submissions from 2 submitters: Uncertain significance (2). Last evaluated 2020-10-19.

Conditions:
Polycystic kidney disease, adult type (PKD1). Also called: POLYCYSTIC KIDNEY DISEASE 1 WITH OR WITHOUT POLYCYSTIC LIVER DISEASE; POLYCYSTIC KIDNEY DISEASE, ADULT, TYPE I; Polycystic Kidney, Autosomal Dominant; Polycystic Kidney Disease 1, Autosomal Dominant; Polycystic kidney disease 1; Polycystic kidney disease 1, severe. Identifiers: MedGen C3149841, MONDO:0008263, OMIM 173900.

Submissions (2):

Victorian Clinical Genetics Services, Murdoch Childrens Research Institute
Classification: Uncertain significance for Polycystic kidney disease, adult type. Last evaluated: 2020-10-19. Review status: criteria provided, single submitter. Criteria: ACMG Guidelines, 2015. Collection method: clinical testing. Allele origin: germline. Inheritance: Autosomal dominant inheritance.
Comment: Based on the classification scheme VCGS_Germline_v1.3.3, this variant is classified as VUS-3B. Following criteria are met: 0102 - Loss of function is a known mechanism of disease in this gene and is associated with polycystic kidney disease 1, (MIM#173900). Polycystic kidney disease 1 is predominantly caused by monoallelic variants, with rare reports of biallelic variants causing disease (OMIM). (I) 0107 - This gene is associated with autosomal dominant disease. (I) 0216 - In-frame deletion in a non-repetitive region that has low conservation. (I) 0251 - This variant is heterozygous. (I) 0301 - Variant is absent from gnomAD (v2 and v3). (SP) 0600 - Variant is located in the annotated C-type lectin domain (PDB). (I) 0705 - No comparable in-frame deletion variants have previous evidence for pathogenicity. (I) 0809 - Previous evidence of pathogenicity for this variant is inconclusive. This variant has been previously reported as a VUS (ClinVar) using alternative nomenclature. (I) 0905 - No published segregation evidence has been identified for this variant. (I) 1007 - No published functional evidence has been identified for this variant. (I) 1208 - Inheritance information for this variant is not currently available in this individual. (I) Legend: (SP) - Supporting pathogenic, (I) - Information, (SB) - Supporting benign

Athena Diagnostics
Classification: Uncertain significance. Last evaluated: 2019-03-15. Review status: criteria provided, single submitter. Criteria: Athena Diagnostics Criteria. Collection method: clinical testing. Allele origin: germline.